The following is an entry in ClinVar:

NM_005216.5(DDOST):c.815A>G (p.Tyr272Cys)

Gene: DDOST (dolichyl-diphosphooligosaccharide--protein glycosyltransferase non-catalytic subunit; minus strand). Cytogenetic location: 1p36.12.
Variant type: single nucleotide variant.
Coding change: c.815A>G on transcript NM_005216.5 (MANE Select); coding-DNA position 815, A replaced by G.
Protein change: p.Tyr272Cys; replaces tyrosine 272 with cysteine.
Molecular consequence: missense variant.
Genome position (GRCh38, 1-based): chr1:20,653,754, T>C on the plus strand (A>G on the coding strand, the complement: DDOST is on the minus strand). VCF-style: chr1-20653754-T-C. GRCh37 (hg19) VCF-style: chr1-20980247-T-C.
Other names: c.866A>G (NM_005216.4); short protein forms Y272C.
Identifiers: ClinVar variation 198816 (VCV000198816.22), dbSNP rs369105590, ClinGen allele CA247653.

ClinVar aggregate classification (germline): Uncertain significance. Review status: criteria provided, multiple submitters, no conflicts (2 of 4 stars). 4 submissions from 4 submitters: Uncertain significance (4). Last evaluated 2025-06-11.

Conditions:
Congenital disorder of glycosylation type Ir (CDG1R). Also called: DDOST-congenital disorder of glycosylation. Identifiers: Orphanet 300536, MedGen C3281084, MONDO:0013789, OMIM 614507.

Allele frequency attached by ClinVar (database versions not stated): ExAC 0.00003; gnomAD exomes 0.00003 and 0.00006; TOPMed 0.00004; gnomAD 0.00005 and 0.00006.
gnomAD v4.1: 70 of 1,613,566 alleles (0.0043%); highest among the groups gnomAD compares: South Asian, 0.031%; no homozygotes.

Submissions (4):

Ambry Genetics
Classification: Uncertain significance. Last evaluated: 2025-06-11. Review status: criteria provided, single submitter. Criteria: Ambry Variant Classification Scheme 2023. Collection method: clinical testing. Allele origin: germline.

Labcorp Genetics (formerly Invitae), Labcorp
Classification: Uncertain significance for Congenital disorder of glycosylation type Ir. Last evaluated: 2024-09-12. Review status: criteria provided, single submitter. Criteria: Invitae Variant Classification Sherloc (09022015). Collection method: clinical testing. Allele origin: germline.
Comment: This sequence change replaces tyrosine, which is neutral and polar, with cysteine, which is neutral and slightly polar, at codon 289 of the DDOST protein (p.Tyr289Cys). This variant is present in population databases (rs369105590, gnomAD 0.03%). This variant has not been reported in the literature in individuals affected with DDOST-related conditions. ClinVar contains an entry for this variant (Variation ID: 198816). An algorithm developed to predict the effect of missense changes on protein structure and function (PolyPhen-2) suggests that this variant is likely to be tolerated. In summary, the available evidence is currently insufficient to determine the role of this variant in disease. Therefore, it has been classified as a Variant of Uncertain Significance.

ARUP Laboratories, Molecular Genetics and Genomics, ARUP Laboratories
Classification: Uncertain significance for Congenital disorder of glycosylation type Ir. Last evaluated: 2023-11-03. Review status: criteria provided, single submitter. Criteria: ARUP Molecular Germline Variant Investigation Process 2024. Collection method: clinical testing. Allele origin: germline.

Eurofins Ntd Llc (ga)
Classification: Uncertain significance. Last evaluated: 2015-04-09. Review status: criteria provided, single submitter. Criteria: EGL Classification Definitions 2015. Collection method: clinical testing. Allele origin: germline. Observed: 1 variant allele, 1 heterozygote.